The following is an entry in ClinVar:

ClinVar aggregate classification (germline): Conflicting classifications of pathogenicity. Review status: criteria provided, conflicting classifications (1 of 4 stars). 2 submissions from 2 submitters: Likely pathogenic (1); Uncertain significance (1). Last evaluated 2025-12-30.

Conditions:
Progressive sclerosing poliodystrophy (MTDPS4A). Also called: Mitochondrial DNA depletion syndrome 4A (Alpers type); ALPERS PROGRESSIVE INFANTILE POLIODYSTROPHY; NEURONAL DEGENERATION OF CHILDHOOD WITH LIVER DISEASE, PROGRESSIVE; Alpers Syndrome; ALPERS DIFFUSE DEGENERATION OF CEREBRAL GRAY MATTER WITH HEPATIC CIRRHOSIS; Alpers-Huttenlocher Syndrome. Identifiers: Orphanet 726, MedGen C0205710, MONDO:0008758, OMIM 203700.

Submissions (2):

Labcorp Genetics (formerly Invitae), Labcorp
Classification: Likely pathogenic for Progressive sclerosing poliodystrophy. Last evaluated: 2025-12-30. Review status: criteria provided, single submitter. Criteria: Invitae Variant Classification Sherloc (09022015). Collection method: clinical testing. Allele origin: germline.
Comment: This sequence change replaces histidine, which is basic and polar, with asparagine, which is neutral and polar, at codon 1110 of the POLG protein (p.His1110Asn). This variant is not present in population databases (gnomAD no frequency). This variant has not been reported in the literature in individuals affected with POLG-related conditions. ClinVar contains an entry for this variant (Variation ID: 2878241). Invitae Evidence Modeling of protein sequence and biophysical properties (such as structural, functional, and spatial information, amino acid conservation, physicochemical variation, residue mobility, and thermodynamic stability) indicates that this missense variant is expected to disrupt POLG protein function with a positive predictive value of 95%. This variant disrupts the p.His1110 amino acid residue in POLG. Other variant(s) that disrupt this residue have been determined to be pathogenic (PMID: 18828154, 25585994). This suggests that this residue is clinically significant, and that variants that disrupt this residue are likely to be disease-causing. In summary, the currently available evidence indicates that the variant is pathogenic, but additional data are needed to prove that conclusively. Therefore, this variant has been classified as Likely Pathogenic.

Women's Health and Genetics/Laboratory Corporation of America, LabCorp
Classification: Uncertain significance. Last evaluated: 2025-07-08. Review status: criteria provided, single submitter. Criteria: LabCorp Variant Classification Summary - May 2015. Collection method: clinical testing. Allele origin: germline.
Comment: Variant summary: POLG c.3328C>A (p.His1110Asn) results in a conservative amino acid change in the encoded protein sequence. Algorithms developed to predict the effect of missense changes on protein structure and function are either unavailable or do not agree on the potential impact of this missense change. The variant was absent in 251452 control chromosomes. The available data on variant occurrences in the general population are insufficient to allow any conclusion about variant significance. To our knowledge, no occurrence of c.3328C>A in individuals affected with Mitochondrial DNA Depletion Syndrome - POLG Related and no experimental evidence demonstrating its impact on protein function have been reported. ClinVar contains an entry for this variant (Variation ID: 2878241). Based on the evidence outlined above, the variant was classified as uncertain significance.

Literature cited by the submitters: PubMed 18828154 (cited by Labcorp Genetics (formerly Invitae), Labcorp); PubMed 25585994 (cited by Labcorp Genetics (formerly Invitae), Labcorp).

NM_002693.3(POLG):c.3328C>A (p.His1110Asn)

Gene: POLG (DNA polymerase gamma, catalytic subunit; minus strand). Cytogenetic location: 15q26.1.
Variant type: single nucleotide variant.
Coding change: c.3328C>A on transcript NM_002693.3 (MANE Select); coding-DNA position 3328, C replaced by A.
Protein change: p.His1110Asn; replaces histidine 1110 with asparagine.
Molecular consequence: missense variant.
Genome position (GRCh38, 1-based): chr15:89,318,695, G>T on the plus strand (C>A on the coding strand, the complement: POLG is on the minus strand). VCF-style: chr15-89318695-G-T. GRCh37 (hg19) VCF-style: chr15-89861926-G-T.
Other names: c.3328C>A, p.His1110Asn (NM_001126131.2); short protein forms H1110N.
Identifiers: ClinVar variation 2878241 (VCV002878241.4), dbSNP rs2152058760, ClinGen allele CA393749977.
Genomic context (GRCh38, chr15:89,318,695, plus strand): 5'-AGAAGCGCCCATCTATGGCAAACTCTTCAAACAGCCACTTCATGGCCACAAGCATGAGGT[G>T]TAAGTAGTCAACAGCAGAGCTCTGTACCACCCAATTCACACGGCTGGTCATAAACTGGGA-3'
Protein context (NP_002684.1, residues 1100-1120): VVQSSAVDYL[His1110Asn]LMLVAMKWLF